The following is an entry in ClinVar:

NM_001032283.3(TMPO):c.565+1867A>T

Gene: TMPO (thymopoietin; plus strand). Cytogenetic location: 12q23.1.
Variant type: single nucleotide variant.
Coding change: c.565+1867A>T on transcript NM_001032283.3 (MANE Select); 1867 bases into the intron after coding-DNA position 565, A replaced by T.
Molecular consequence: intron variant. On other transcripts: missense variant (1).
Genome position (GRCh38, 1-based): chr12:98,533,705, A>T. VCF-style: chr12-98533705-A-T. GRCh37 (hg19) VCF-style: chr12-98927483-A-T.
Other names: c.1448A>T, p.Asp483Val (NM_003276.2); c.565+1867A>T (NM_001307975.2, NM_001032284.3); short protein forms D483V.
Identifiers: ClinVar variation 3658414 (VCV003658414.2).
Genomic context (GRCh38, chr12:98,533,705, plus strand): 5'-CTGTTGTCTCTCATTCACTCACTACCTTAGGTCTAGAAGTGGCTAAGCAATCACAGCATG[A>T]TAAAATAGATGCCTCAGAACTATCTTTTCCCTTCCATGAATCTATTTTAAAAGTAATTGA-3'

ClinVar aggregate classification (germline): Uncertain significance (1 of 4 stars; one submission).

Conditions:
Loeys-Dietz syndrome 2 (LDS2). Also called: TGFBR2-Related Loeys-Dietz Syndrome; Marfan Syndrome type 2; Marfan like connective tissue disorder; MFS 2; AORTIC ANEURYSM, FAMILIAL THORACIC 3; MARFAN SYNDROME, TYPE II. Identifiers: Orphanet 284973, Orphanet 558, MedGen C2674574, MONDO:0012427, OMIM 610168.

Submission:

Labcorp Genetics (formerly Invitae), Labcorp
Classification: Uncertain significance for Loeys-Dietz syndrome 2. Last evaluated: 2024-07-01. Review status: criteria provided, single submitter. Criteria: Invitae Variant Classification Sherloc (09022015). Collection method: clinical testing. Allele origin: germline.
Comment: This sequence change replaces aspartic acid, which is acidic and polar, with valine, which is neutral and non-polar, at codon 483 of the TMPO protein (p.Asp483Val). This variant is not present in population databases (gnomAD no frequency). This variant has not been reported in the literature in individuals affected with TMPO-related conditions. Advanced modeling of protein sequence and biophysical properties (such as structural, functional, and spatial information, amino acid conservation, physicochemical variation, residue mobility, and thermodynamic stability) performed at Invitae indicates that this missense variant is not expected to disrupt TMPO protein function with a negative predictive value of 80%. In summary, the available evidence is currently insufficient to determine the role of this variant in disease. Therefore, it has been classified as a Variant of Uncertain Significance.